The following is an entry in ClinVar:

NM_024675.4(PALB2):c.1208T>G (p.Leu403Arg)

Gene: PALB2 (partner and localizer of BRCA2; minus strand). Cytogenetic location: 16p12.2.
Variant type: single nucleotide variant.
Coding change: c.1208T>G on transcript NM_024675.4 (MANE Select); coding-DNA position 1208, T replaced by G.
Protein change: p.Leu403Arg; replaces leucine 403 with arginine.
Molecular consequence: missense variant.
Genome position (GRCh38, 1-based): chr16:23,635,338, A>C on the plus strand (T>G on the coding strand, the complement: PALB2 is on the minus strand). VCF-style: chr16-23635338-A-C. GRCh37 (hg19) VCF-style: chr16-23646659-A-C.
Other names: short protein forms L403R.
Identifiers: ClinVar variation 577130 (VCV000577130.9), dbSNP rs1567221341, ClinGen allele CA395133187.

ClinVar aggregate classification (germline): Uncertain significance (1 of 4 stars; one submission).

Conditions:
Familial cancer of breast. Also called: hereditary breast carcinoma; BREAST CANCER, FAMILIAL; Hereditary breast cancer. Identifiers: Orphanet 227535, MedGen C0346153, MONDO:0016419, OMIM 114480. Disease mechanism: loss of function.

gnomAD v4.1: 1 of 1,614,088 alleles (0.000062%); no homozygotes.

Submission:

Labcorp Genetics (formerly Invitae), Labcorp
Classification: Uncertain significance for Familial cancer of breast. Last evaluated: 2018-03-15. Review status: criteria provided, single submitter. Criteria: Invitae Variant Classification Sherloc (09022015). Collection method: clinical testing. Allele origin: germline.
Comment: In summary, the available evidence is currently insufficient to determine the role of this variant in disease. Therefore, it has been classified as a Variant of Uncertain Significance. Algorithms developed to predict the effect of missense changes on protein structure and function do not agree on the potential impact of this missense change (SIFT: "Tolerated"; PolyPhen-2: "Probably Damaging"; Align-GVGD: "Class C0"). This variant has not been reported in the literature in individuals with PALB2-related disease. This variant is not present in population databases (ExAC no frequency). This sequence change replaces leucine with arginine at codon 403 of the PALB2 protein (p.Leu403Arg). The leucine residue is moderately conserved and there is a moderate physicochemical difference between leucine and arginine.